The following is an entry in ClinVar:

NM_000551.4(VHL):c.509T>A (p.Val170Asp)

Genes: VHL (von Hippel-Lindau tumor suppressor; plus strand), LOC107303340 (3p25 von Hippel-Lindau tumor suppressor, E3 ubiquitin protein ligase Alu-mediated recombination region; plus strand). Cytogenetic location: 3p25.3.
Variant type: single nucleotide variant.
Coding change: c.509T>A on transcript NM_000551.4 (MANE Select); coding-DNA position 509, T replaced by A.
Protein change: p.Val170Asp; replaces valine 170 with aspartic acid.
Molecular consequence: missense variant. On other transcripts: 3 prime UTR variant (1).
Genome position (GRCh38, 1-based): chr3:10,149,832, T>A. VCF-style: chr3-10149832-T-A. GRCh37 (hg19) VCF-style: chr3-10191516-T-A.
Other names: c.*63T>A (NM_001354723.2); c.386T>A, p.Val129Asp (NM_198156.3); short protein forms V170D, V129D.
Identifiers: ClinVar variation 625256 (VCV000625256.12), dbSNP rs864321642, ClinGen allele CA351756195.

ClinVar aggregate classification (germline): Pathogenic/Likely pathogenic. Review status: criteria provided, multiple submitters, no conflicts (2 of 4 stars). 6 submissions from 6 submitters: Pathogenic (2); Likely pathogenic (2). 2 of the submissions do not count toward it. Last evaluated 2025-07-31.

Conditions:
Von Hippel-Lindau syndrome (VHLS). Also called: von Hippel–Lindau syndrome; Von Hippel-Lindau; VHL syndrome. Identifiers: Orphanet 892, MedGen C0019562, MONDO:0008667, OMIM 193300. Disease mechanism: loss of function.
Chuvash polycythemia. Also called: POLYCYTHEMIA, VHL-DEPENDENT. Identifiers: Orphanet 238557, MedGen C1837915, MONDO:0009892, OMIM 263400.
Hereditary cancer-predisposing syndrome. Also called: Tumor predisposition; Neoplastic Syndromes, Hereditary; Hereditary Cancer Syndrome; Hereditary neoplastic syndrome. Identifiers: Orphanet 140162, MedGen C0027672, MeSH D009386, MONDO:0015356.

Submissions (6):

Color Diagnostics, LLC DBA Color Health
Classification: Likely pathogenic for Von Hippel-Lindau syndrome. Last evaluated: 2025-07-31. Review status: criteria provided, single submitter. Criteria: ACMG Guidelines, 2015. Collection method: clinical testing. Allele origin: germline.
Comment: This missense variant replaces valine with aspartic acid at codon 170 of the VHL protein. Computational prediction suggests that this variant may have deleterious impact on protein structure and function. This variant is also known as c.722T>A in older literature. Functional studies have reported that this variant impacts VHL in a haploid cell proliferation assay and increased the stability of HIF1alpha and HIF2alpha proteins (PMID: 21715564. 38969834).This variant has been reported in over 20 individuals and families affected with renal cancer and other manifestations of VHL-disorders (PMID: 8956040, 8956040, 8730290, 10408776, 16488999, 21715564, 29595810, 30522901, 30943211, 39055909), including three affected members of one family (PMID: 29595810). Two other missense variants at the same codon, p.Val170Ala and p.Val170Leu, have been reported as disease-causing in ClinVar (variation ID: 219159, 828174). This variant has not been identified in the general population by the Genome Aggregation Database (gnomAD). Based on the available evidence, this variant is classified as Likely Pathogenic.

Labcorp Genetics (formerly Invitae), Labcorp
Classification: Likely pathogenic for Von Hippel-Lindau syndrome; Chuvash polycythemia. Last evaluated: 2024-07-24. Review status: criteria provided, single submitter. Criteria: Invitae Variant Classification Sherloc (09022015). Collection method: clinical testing. Allele origin: germline.
Comment: This sequence change replaces valine, which is neutral and non-polar, with aspartic acid, which is acidic and polar, at codon 170 of the VHL protein (p.Val170Asp). This variant is not present in population databases (gnomAD no frequency). This missense change has been observed in individual(s) with clinical features of autosomal dominant von Hippel-Lindau syndrome (PMID: 8730290, 8956040, 9681858, 10408776, 17661816, 21715564, 30522901, 34926252). This variant is also known as c.722T>A. ClinVar contains an entry for this variant (Variation ID: 625256). Advanced modeling of protein sequence and biophysical properties (such as structural, functional, and spatial information, amino acid conservation, physicochemical variation, residue mobility, and thermodynamic stability) performed at Invitae indicates that this missense variant is expected to disrupt VHL protein function with a positive predictive value of 95%. In summary, the currently available evidence indicates that the variant is pathogenic, but additional data are needed to prove that conclusively. Therefore, this variant has been classified as Likely Pathogenic.

Ambry Genetics
Classification: Pathogenic for Hereditary cancer-predisposing syndrome. Last evaluated: 2024-06-24. Review status: criteria provided, single submitter. Criteria: Ambry Variant Classification Scheme 2023. Collection method: clinical testing. Allele origin: germline.
Comment: The p.V170D pathogenic mutation (also known as c.509T>A), located in coding exon 3 of the VHL gene, results from a T to A substitution at nucleotide position 509. The valine at codon 170 is replaced by aspartic acid, an amino acid with highly dissimilar properties. This variant has been observed in multiple individuals with a personal and/or family history that is consistent with von Hippel-Lindau syndrome (Maher ER et al. J. Med. Genet., 1996 Apr;33:328-32; Banks RE et al. Cancer Res., 2006 Feb;66:2000-11; Hes FJ et al. Clin Genet, 2007 Aug;72:122-9; van der Horst-Schrivers ANA et al. Fam. Cancer, 2019 07;18:369-376; Ambry internal data). This variant is considered to be rare based on population cohorts in the Genome Aggregation Database (gnomAD). This amino acid position is highly conserved in available vertebrate species. In addition, this alteration is predicted to be deleterious by in silico analysis. Based on the supporting evidence, this variant is interpreted as a disease-causing mutation.

Genomic Diagnostic Laboratory, Division of Genomic Diagnostics, Children's Hospital of Philadelphia
Classification: Pathogenic for von Hippel-Lindau syndrome. Last evaluated: 2018-08-01. Review status: criteria provided, single submitter. Criteria: DGD Variant Analysis Guidelines. Collection method: clinical testing. Allele origin: germline. Affected: yes. Observed: 1 variant allele.

Clinical Genetics DNA and cytogenetics Diagnostics Lab, Erasmus MC, Erasmus Medical Center
Classification: Pathogenic. Review status: no assertion criteria provided. Collection method: clinical testing. Allele origin: germline. Affected: yes. Study: VKGL Data-share Consensus. Not counted in ClinVar's aggregate classification.

Genome Diagnostics Laboratory, University Medical Center Utrecht
Classification: Pathogenic. Review status: no assertion criteria provided. Collection method: clinical testing. Allele origin: germline. Affected: yes. Study: VKGL Data-share Consensus. Not counted in ClinVar's aggregate classification.

Literature cited by the submitters: PubMed 8730290 (cited by 3 submitters); PubMed 8956040 (cited by Color Diagnostics, LLC DBA Color Health and Labcorp Genetics (formerly Invitae), Labcorp); PubMed 10408776 (cited by Color Diagnostics, LLC DBA Color Health and Labcorp Genetics (formerly Invitae), Labcorp); PubMed 16488999 (cited by Color Diagnostics, LLC DBA Color Health and Ambry Genetics); PubMed 21715564 (cited by Color Diagnostics, LLC DBA Color Health and Labcorp Genetics (formerly Invitae), Labcorp); PubMed 29595810 (cited by Color Diagnostics, LLC DBA Color Health); PubMed 30522901 (cited by Color Diagnostics, LLC DBA Color Health and Labcorp Genetics (formerly Invitae), Labcorp); PubMed 30943211 (cited by Color Diagnostics, LLC DBA Color Health); PubMed 38969834 (cited by Color Diagnostics, LLC DBA Color Health); PubMed 39055909 (cited by Color Diagnostics, LLC DBA Color Health); PubMed 9681858 (cited by Labcorp Genetics (formerly Invitae), Labcorp); PubMed 17661816 (cited by Labcorp Genetics (formerly Invitae), Labcorp and Ambry Genetics); PubMed 34926252 (cited by Labcorp Genetics (formerly Invitae), Labcorp); PubMed 31087189 (cited by Ambry Genetics).